The following is an entry in ClinVar:

NM_000183.3(HADHB):c.221T>G (p.Leu74Arg)

Gene: HADHB (hydroxyacyl-CoA dehydrogenase trifunctional multienzyme complex subunit beta; plus strand). Cytogenetic location: 2p23.3.
Variant type: single nucleotide variant.
Coding change: c.221T>G on transcript NM_000183.3 (MANE Select); coding-DNA position 221, T replaced by G.
Protein change: p.Leu74Arg; replaces leucine 74 with arginine.
Molecular consequence: missense variant. On other transcripts: intron variant (1).
Genome position (GRCh38, 1-based): chr2:26,269,964, T>G. VCF-style: chr2-26269964-T-G. GRCh37 (hg19) VCF-style: chr2-26492832-T-G.
Other names: c.155T>G, p.Leu52Arg (NM_001281513.2); c.221T>G (NM_000183.2); c.210-3687T>G (NM_001281512.2); short protein forms L52R, L74R.
Identifiers: ClinVar variation 2190561 (VCV002190561.2), dbSNP rs759319520, ClinGen allele CA1560137.

ClinVar aggregate classification (germline): Uncertain significance. Review status: criteria provided, single submitter (1 of 4 stars). 2 submissions from 2 submitters: Uncertain significance (1). 1 of the submissions does not count toward it. Last evaluated 2022-07-06.

Conditions:
HADHB-related disorder. Also called: HADHB-related condition.
Mitochondrial trifunctional protein deficiency. Identifiers: Orphanet 746, MedGen C1969443, MONDO:0012172.

Allele frequency attached by ClinVar (database versions not stated): gnomAD exomes below 0.00001; ExAC 0.00001; TOPMed 0.00002.
gnomAD v4.1: 1 of 1,607,892 alleles (0.000062%); highest among the groups gnomAD compares: Admixed American, 0.0017%; no homozygotes.

Submissions (2):

Labcorp Genetics (formerly Invitae), Labcorp
Classification: Uncertain significance for Mitochondrial trifunctional protein deficiency. Last evaluated: 2022-07-06. Review status: criteria provided, single submitter. Criteria: Invitae Variant Classification Sherloc (09022015). Collection method: clinical testing. Allele origin: germline.
Comment: This sequence change replaces leucine, which is neutral and non-polar, with arginine, which is basic and polar, at codon 74 of the HADHB protein (p.Leu74Arg). This variant is present in population databases (rs759319520, gnomAD 0.003%). This variant has not been reported in the literature in individuals affected with HADHB-related conditions. Algorithms developed to predict the effect of missense changes on protein structure and function are either unavailable or do not agree on the potential impact of this missense change (SIFT: "Deleterious"; PolyPhen-2: "Probably Damaging"; Align-GVGD: "Class C0"). In summary, the available evidence is currently insufficient to determine the role of this variant in disease. Therefore, it has been classified as a Variant of Uncertain Significance.

PreventionGenetics, part of Exact Sciences
Classification: Uncertain significance for HADHB-related condition. Last evaluated: 2024-06-11. Review status: no assertion criteria provided. Collection method: clinical testing. Allele origin: germline. Not counted in ClinVar's aggregate classification.
Comment: The HADHB c.221T>G variant is predicted to result in the amino acid substitution p.Leu74Arg. To our knowledge, this variant has not been reported in the literature. This variant is reported in 0.0029% of alleles in individuals of Latino descent in gnomAD. At this time, the clinical significance of this variant is uncertain due to the absence of conclusive functional and genetic evidence.